The following is an entry in ClinVar:

NM_000540.3(RYR1):c.12892G>T (p.Val4298Leu)

Gene: RYR1 (ryanodine receptor 1; plus strand). Cytogenetic location: 19q13.2.
Variant type: single nucleotide variant.
Coding change: c.12892G>T on transcript NM_000540.3 (MANE Select); coding-DNA position 12892, G replaced by T.
Protein change: p.Val4298Leu; replaces valine 4298 with leucine.
Molecular consequence: missense variant.
Genome position (GRCh38, 1-based): chr19:38,565,226, G>T. VCF-style: chr19-38565226-G-T. GRCh37 (hg19) VCF-style: chr19-39055866-G-T.
Other names: c.12877G>T, p.Val4293Leu (NM_001042723.2); short protein forms V4293L, V4298L.
Identifiers: ClinVar variation 1962240 (VCV001962240.6), dbSNP rs1973345533, ClinGen allele CA405672473.
Genomic context (GRCh38, chr19:38,565,226, plus strand): 5'-GGCGCGGCGGGGCTCGAGGGCACGGCGGCCACGGCGGCGGCGGGGGCGACGGCGCGGGTT[G>T]TGGCGGCCGCAGGCCGGGCCCTGCGAGGCCTCAGCTACCGCAGCCTGCGGCGGCGCGTGC-3'
Protein context (NP_000531.2, residues 4288-4308): TAAAGATARV[Val4298Leu]AAAGRALRGL

ClinVar aggregate classification (germline): Uncertain significance. Review status: criteria provided, multiple submitters, no conflicts (2 of 4 stars). 2 submissions from 2 submitters: Uncertain significance (2). Last evaluated 2024-01-08.

Conditions:
Inborn genetic diseases. Identifiers: MedGen C0950123, MeSH D030342.
RYR1-related disorder. Also called: RYR1-related condition; RYR1-related disorders. Identifiers: MedGen CN239331.

Allele frequency attached by ClinVar (database versions not stated): gnomAD exomes below 0.00001.

Submissions (2):

Ambry Genetics
Classification: Uncertain significance for Inborn genetic diseases. Last evaluated: 2024-01-08. Review status: criteria provided, single submitter. Criteria: Ambry Variant Classification Scheme 2023. Collection method: clinical testing. Allele origin: germline.

Labcorp Genetics (formerly Invitae), Labcorp
Classification: Uncertain significance for RYR1-related disorder. Last evaluated: 2022-01-20. Review status: criteria provided, single submitter. Criteria: Invitae Variant Classification Sherloc (09022015). Collection method: clinical testing. Allele origin: germline.
Comment: In summary, the available evidence is currently insufficient to determine the role of this variant in disease. Therefore, it has been classified as a Variant of Uncertain Significance. Advanced modeling of protein sequence and biophysical properties (such as structural, functional, and spatial information, amino acid conservation, physicochemical variation, residue mobility, and thermodynamic stability) performed at Invitae indicates that this missense variant is not expected to disrupt RYR1 protein function. This variant has not been reported in the literature in individuals affected with RYR1-related conditions. The frequency data for this variant in the population databases is considered unreliable, as metrics indicate insufficient coverage at this position in the gnomAD database. This sequence change replaces valine, which is neutral and non-polar, with leucine, which is neutral and non-polar, at codon 4298 of the RYR1 protein (p.Val4298Leu).